The following is an entry in ClinVar:

NM_024753.5(TTC21B):c.2035A>G (p.Asn679Asp)

Gene: TTC21B (tetratricopeptide repeat domain 21B; minus strand). Cytogenetic location: 2q24.3.
Variant type: single nucleotide variant.
Coding change: c.2035A>G on transcript NM_024753.5 (MANE Select); coding-DNA position 2035, A replaced by G.
Protein change: p.Asn679Asp; replaces asparagine 679 with aspartic acid.
Molecular consequence: missense variant.
Genome position (GRCh38, 1-based): chr2:165,915,304, T>C on the plus strand (A>G on the coding strand, the complement: TTC21B is on the minus strand). VCF-style: chr2-165915304-T-C. GRCh37 (hg19) VCF-style: chr2-166771814-T-C.
Other names: short protein forms N679D.
Identifiers: ClinVar variation 4999017 (VCV004999017.1).

ClinVar aggregate classification (germline): Uncertain significance (1 of 4 stars; one submission).

Conditions:
TTC21B-related disorder. Also called: TTC21B-related condition; TTC21B-related disorders.

Submission:

PreventionGenetics, part of Exact Sciences
Classification: Uncertain significance for TTC21B-related condition. Last evaluated: 2025-11-19. Review status: criteria provided, single submitter. Criteria: ACMG Guidelines, 2015. Collection method: clinical testing. Allele origin: germline.
Comment: The TTC21B c.2035A>G variant is predicted to result in the amino acid substitution p.Asn679Asp. To our knowledge, this variant has not been reported in the literature or in a large population database (gnomAD), indicating this variant is rare. At this time, the clinical significance of this variant is uncertain due to the absence of conclusive functional and genetic evidence.